The following is an entry in ClinVar:

ClinVar aggregate classification (germline): Benign. Review status: criteria provided, multiple submitters, no conflicts (2 of 4 stars). 3 submissions from 3 submitters: Benign (3). Last evaluated 2018-07-06.

Conditions:
Farber lipogranulomatosis (FRBRL). Also called: Farber's lipogranulomatosis; Farber's disease; Farber disease; AC DEFICIENCY; ACID CERAMIDASE DEFICIENCY; CERAMIDASE DEFICIENCY. Identifiers: Orphanet 333, MedGen C0268255, MONDO:0009218, OMIM 228000.

Allele frequency attached by ClinVar (database versions not stated): gnomAD exomes 0.06203; gnomAD 0.09249 and 0.09419; TOPMed 0.09885; 1000 Genomes Project 0.10603; 1000 Genomes Project 30x 0.11071.
gnomAD v4.1: 30,558 of 419,432 alleles (7.3%); highest among the groups gnomAD compares: African/African-American, 18%; 1,568 homozygotes.

Submissions (12):

GeneDx
Classification: Benign. Last evaluated: 2018-07-06. Review status: criteria provided, single submitter. Criteria: GeneDx Variant Classification Process June 2021. Collection method: clinical testing. Allele origin: germline. Affected: yes.

Illumina Laboratory Services, Illumina
Classification: Benign for Farber lipogranulomatosis. Last evaluated: 2018-01-13. Review status: criteria provided, single submitter. Criteria: ICSL Variant Classification Criteria 13 December 2019. Collection method: clinical testing. Allele origin: germline.
Comment: This variant was observed in the ICSL laboratory as part of a predisposition screen in an ostensibly healthy population. It had not been previously curated by ICSL or reported in the Human Gene Mutation Database (HGMD: prior to June 1st, 2018), and was therefore a candidate for classification through an automated scoring system. Utilizing variant allele frequency, disease prevalence and penetrance estimates, and inheritance mode, an automated score was calculated to assess if this variant is too frequent to cause the disease. Based on the score and internal cut-off values, a variant classified as benign is not then subjected to further curation. The score for this variant resulted in a classification of benign for this disease.

Breakthrough Genomics
Classification: Benign. Review status: criteria provided, single submitter. Criteria: ACMG Guidelines, 2015. Collection method: not provided. Allele origin: germline. Inheritance: Autosomal recessive inheritance. Affected: yes.

Dr. Peter K. Rogan Lab, Western University
No classification provided (evidence only). Condition: Uterine corpus endometrial carcinoma. Review status: no classification provided. Collection method: in vitro. Allele origin: not applicable. Functional consequence: retained intron. Not counted in ClinVar's aggregate classification.

Dr. Peter K. Rogan Lab, Western University
No classification provided (evidence only). Condition: Uterine corpus endometrial carcinoma. Review status: no classification provided. Collection method: in vitro. Allele origin: not applicable. Functional consequence: retained intron. Not counted in ClinVar's aggregate classification.

Dr. Peter K. Rogan Lab, Western University
No classification provided (evidence only). Condition: Chronic lymphocytic leukemia/small lymphocytic lymphoma. Review status: no classification provided. Collection method: in vitro. Allele origin: not applicable. Functional consequence: retained intron. Not counted in ClinVar's aggregate classification.

Dr. Peter K. Rogan Lab, Western University
No classification provided (evidence only). Condition: Chronic lymphocytic leukemia/small lymphocytic lymphoma. Review status: no classification provided. Collection method: in vitro. Allele origin: not applicable. Functional consequence: retained intron. Not counted in ClinVar's aggregate classification.

Dr. Peter K. Rogan Lab, Western University
No classification provided (evidence only). Condition: Chronic lymphocytic leukemia/small lymphocytic lymphoma. Review status: no classification provided. Collection method: in vitro. Allele origin: not applicable. Functional consequence: retained intron. Not counted in ClinVar's aggregate classification.

Dr. Peter K. Rogan Lab, Western University
No classification provided (evidence only). Condition: Nonpapillary renal cell carcinoma. Review status: no classification provided. Collection method: in vitro. Allele origin: not applicable. Functional consequence: retained intron. Not counted in ClinVar's aggregate classification.

Dr. Peter K. Rogan Lab, Western University
No classification provided (evidence only). Condition: Hepatocellular carcinoma. Review status: no classification provided. Collection method: in vitro. Allele origin: not applicable. Functional consequence: retained intron. Not counted in ClinVar's aggregate classification.

Dr. Peter K. Rogan Lab, Western University
No classification provided (evidence only). Condition: Ovarian cancer. Review status: no classification provided. Collection method: in vitro. Allele origin: not applicable. Functional consequence: retained intron. Not counted in ClinVar's aggregate classification.

Dr. Peter K. Rogan Lab, Western University
No classification provided (evidence only). Condition: Ovarian cancer. Review status: no classification provided. Collection method: in vitro. Allele origin: not applicable. Functional consequence: retained intron. Not counted in ClinVar's aggregate classification.

NM_177924.5(ASAH1):c.*184T>A

Gene: ASAH1 (N-acylsphingosine amidohydrolase 1; minus strand). Cytogenetic location: 8p22.
Variant type: single nucleotide variant.
Coding change: c.*184T>A on transcript NM_177924.5 (MANE Select); 184 bases downstream of the stop codon, T replaced by A.
Molecular consequence: 3 prime UTR variant.
Genome position (GRCh38, 1-based): chr8:18,057,350, A>T on the plus strand (T>A on the coding strand, the complement: ASAH1 is on the minus strand). VCF-style: chr8-18057350-A-T. GRCh37 (hg19) VCF-style: chr8-17914859-A-T.
Other names: NC_000008.10:g.17914859A>T; c.*184T>A (NM_001127505.3, NM_001363743.2, NM_004315.6).
Identifiers: ClinVar variation 362367 (VCV000362367.10), dbSNP rs574114, ClinGen allele CA10625086.